The following is an entry in ClinVar:

NM_014698.3(TMEM63A):c.1583dup (p.Phe529fs)

Gene: TMEM63A (transmembrane protein 63A; minus strand). Cytogenetic location: 1q42.12.
Variant type: Duplication.
Coding change: c.1583dup on transcript NM_014698.3 (MANE Select); coding-DNA position 1583, one base duplicated (T; older notation c.1583dupT).
Protein change: p.Phe529fs; shifts the reading frame from phenylalanine 529.
Molecular consequence: frameshift variant.
Genome position (GRCh38, 1-based): chr1:225,855,929, A duplicated on the plus strand (T on the coding strand, the reverse complement: TMEM63A is on the minus strand); the first of 6 consecutive A bases (chr1:225,855,929-225,855,934); duplicating any one gives the same sequence. VCF-style (leftmost placement, unchanged base first): chr1-225855928-G-GA. GRCh37 (hg19) VCF-style: chr1-226043629-G-GA.
Other names: c.1583dupT (NM_014698.2); short protein forms F529fs.
Identifiers: ClinVar variation 2639964 (VCV002639964.25), dbSNP rs751451100, ClinGen allele CA1419100.
Genomic context (GRCh38, chr1:225,855,928, plus strand): 5'-CAATACTCACTCCAACCTGATGGAGGCCTCCGAGGAAGTTTTGTCAAAGAGCCACCGGAA[G>GA]AAAAAATCTAGACTGAAAAACAAAGGAACCCCCTAAGAGTTTATTTCCAGCATTCCATAT-3'

ClinVar aggregate classification (germline): Uncertain significance. Review status: criteria provided, multiple submitters, no conflicts (2 of 4 stars). 2 submissions from 2 submitters: Uncertain significance (2). Last evaluated 2023-11-01.

Conditions:
Inborn genetic diseases. Identifiers: MedGen C0950123, MeSH D030342.

Submissions (2):

Ambry Genetics
Classification: Uncertain significance for Inborn genetic diseases. Last evaluated: 2023-11-01. Review status: criteria provided, single submitter. Criteria: Ambry Variant Classification Scheme 2023. Collection method: clinical testing. Allele origin: germline.
Comment: Loss of function has not been established as a mechanism of disease Based on insufficient or conflicting evidence, the clinical significance of this alteration remains unclear.

CeGaT Center for Human Genetics Tuebingen
Classification: Uncertain significance. Last evaluated: 2022-08-01. Review status: criteria provided, single submitter. Criteria: CeGaT Center For Human Genetics Tuebingen Variant Classification Criteria Version 2. Collection method: clinical testing. Allele origin: germline. Affected: yes. Observed: 1 variant allele.